The following is an entry in ClinVar:

NM_000540.3(RYR1):c.13264G>A (p.Glu4422Lys)

Gene: RYR1 (ryanodine receptor 1; plus strand). Cytogenetic location: 19q13.2.
Variant type: single nucleotide variant.
Coding change: c.13264G>A on transcript NM_000540.3 (MANE Select); coding-DNA position 13264, G replaced by A.
Protein change: p.Glu4422Lys; replaces glutamic acid 4422 with lysine.
Molecular consequence: missense variant.
Genome position (GRCh38, 1-based): chr19:38,565,598, G>A. VCF-style: chr19-38565598-G-A. GRCh37 (hg19) VCF-style: chr19-39056238-G-A.
Other names: c.13249G>A, p.Glu4417Lys (NM_001042723.2); short protein forms E4422K, E4417K.
Identifiers: ClinVar variation 1415817 (VCV001415817.3), dbSNP rs1973376170, ClinGen allele CA405674680.
Genomic context (GRCh38, chr19:38,565,598, plus strand): 5'-GACGCAGACGGCGAGGGTGCCAGCGAGGGCGCTGGAGACGCCGCGGAGGGCGCTGGAGAC[G>A]AGGAGGAGGCGGTGCACGAGGCCGGGCCGGGCGGTGCCGACGGGGCGGTGGCCGTGACCG-3'
Protein context (NP_000531.2, residues 4412-4432): AGDAAEGAGD[Glu4422Lys]EEAVHEAGPG

ClinVar aggregate classification (germline): Uncertain significance (1 of 4 stars; one submission).

Conditions:
RYR1-related disorder. Also called: RYR1-related condition; RYR1-related disorders. Identifiers: MedGen CN239331.

Allele frequency attached by ClinVar (database versions not stated): TOPMed below 0.00001; gnomAD 0.00001.
gnomAD v4.1: 5 of 1,458,330 alleles (0.00034%); highest among the groups gnomAD compares: African/African-American, 0.0015%; no homozygotes.

Submission:

Labcorp Genetics (formerly Invitae), Labcorp
Classification: Uncertain significance for RYR1-related disorder. Last evaluated: 2022-08-09. Review status: criteria provided, single submitter. Criteria: Invitae Variant Classification Sherloc (09022015). Collection method: clinical testing. Allele origin: germline.
Comment: This sequence change replaces glutamic acid, which is acidic and polar, with lysine, which is basic and polar, at codon 4422 of the RYR1 protein (p.Glu4422Lys). This variant is not present in population databases (gnomAD no frequency). This variant has not been reported in the literature in individuals affected with RYR1-related conditions. ClinVar contains an entry for this variant (Variation ID: 1415817). Advanced modeling of protein sequence and biophysical properties (such as structural, functional, and spatial information, amino acid conservation, physicochemical variation, residue mobility, and thermodynamic stability) performed at Invitae indicates that this missense variant is not expected to disrupt RYR1 protein function. In summary, the available evidence is currently insufficient to determine the role of this variant in disease. Therefore, it has been classified as a Variant of Uncertain Significance.